The following is an entry in ClinVar:

ClinVar aggregate classification (germline): Pathogenic (1 of 4 stars; one submission).

Conditions:
Kartagener syndrome (CILD1). Also called: CILIARY DYSKINESIA, PRIMARY, 1; CILIARY DYSKINESIA, PRIMARY, 1, WITH OR WITHOUT SITUS INVERSUS; IMMOTILE CILIA SYNDROME; POLYNESIAN BRONCHIECTASIS; Dextrocardia bronchiectasis and sinusitis; SIEWERT SYNDROME. Identifiers: Orphanet 244, MedGen C4551906, MONDO:0009484, OMIM 244400.

Submission:

Myriad Genetics, Inc.
Classification: Pathogenic for Kartagener syndrome. Last evaluated: 2024-08-06. Review status: criteria provided, single submitter. Criteria: Myriad Autosomal Dominant, Autosomal Recessive and X-Linked Classification Criteria (2023). Collection method: clinical testing. Allele origin: unknown.
Comment: NM_012144.2(DNAI1):c.1003delGinsCA(V335Hfs*22) is expected to be pathogenic in the context of primary ciliary dyskinesia, DNAI1-related. This variant is predicted to lead to an abnormal or absent protein product due to the creation of a premature termination codon in DNAI1, a gene where loss-of-function variants are known to be pathogenic. Please note: this variant was assessed in the context of healthy population screening.

NM_012144.4(DNAI1):c.1003delinsCA (p.Val335fs)

Gene: DNAI1 (dynein axonemal intermediate chain 1; plus strand). Cytogenetic location: 9p13.3.
Variant type: Indel.
Coding change: c.1003delinsCA on transcript NM_012144.4 (MANE Select); coding-DNA position 1003, G replaced by CA.
Protein change: p.Val335fs; shifts the reading frame from valine 335.
Molecular consequence: frameshift variant.
Genome position (GRCh38, 1-based): chr9:34,500,823, G replaced by CA. VCF-style: chr9-34500823-G-CA. GRCh37 (hg19) VCF-style: chr9-34500821-G-CA.
Other names: c.1015delinsCA, p.Val339fs (NM_001281428.2); short protein forms V335fs, V339fs.
Identifiers: ClinVar variation 5013424 (VCV005013424.1).